The following is an entry in ClinVar:

NM_000342.4(SLC4A1):c.1626G>A (p.Lys542=)

Gene: SLC4A1 (solute carrier family 4 member 1 (Diego blood group); minus strand). Cytogenetic location: 17q21.31.
Variant type: single nucleotide variant.
Coding change: c.1626G>A on transcript NM_000342.4 (MANE Select); coding-DNA position 1626, G replaced by A.
Protein change: p.Lys542=; no amino-acid change (lysine 542 retained).
Molecular consequence: synonymous variant.
Genome position (GRCh38, 1-based): chr17:44,257,350, C>T on the plus strand (G>A on the coding strand, the complement: SLC4A1 is on the minus strand). VCF-style: chr17-44257350-C-T. GRCh37 (hg19) VCF-style: chr17-42334718-C-T.
Identifiers: ClinVar variation 1163108 (VCV001163108.8), dbSNP rs2144611947, ClinGen allele CA500287370.
Genomic context (GRCh38, chr17:44,257,350, plus strand): 5'-CCACTGTCTCAGTCTTATACACAACCTCCCGTGTGCATTAACATCCCCATAGGCCCCCAC[C>T]TTGATCAGCTTGGAGAAAGTCTCATAGATGAAGATGAGGGAAATGAGGAAGGAGAAGATC-3'
Protein context (NP_000333.1, residues 532-552): FIYETFSKLI[Lys542=]IFQDHPLQKT

ClinVar aggregate classification (germline): Pathogenic/Likely pathogenic. Review status: criteria provided, multiple submitters, no conflicts (2 of 4 stars). 3 submissions from 3 submitters: Pathogenic (1); Likely pathogenic (1). 1 of the submissions does not count toward it. Last evaluated 2025-09-28.

Submissions (3):

Labcorp Genetics (formerly Invitae), Labcorp
Classification: Likely pathogenic. Last evaluated: 2025-09-28. Review status: criteria provided, single submitter. Criteria: Invitae Variant Classification Sherloc (09022015). Collection method: clinical testing. Allele origin: germline.
Comment: This sequence change affects codon 542 of the SLC4A1 mRNA. It is a 'silent' change, meaning that it does not change the encoded amino acid sequence of the SLC4A1 protein. This variant also falls at the last nucleotide of exon 13, which is part of the consensus splice site for this exon. This variant is not present in population databases (gnomAD no frequency). This variant has been observed in individuals with hereditary spherocytosis (PMID: 23255290; internal data). ClinVar contains an entry for this variant (Variation ID: 1163108). Variants that disrupt the consensus splice site are a relatively common cause of aberrant splicing (PMID: 17576681, 9536098). Algorithms developed to predict the effect of sequence changes on RNA splicing suggest that this variant may disrupt the consensus splice site. In summary, the currently available evidence indicates that the variant is pathogenic, but additional data are needed to prove that conclusively. Therefore, this variant has been classified as Likely Pathogenic.

Mayo Clinic Laboratories, Mayo Clinic
Classification: Pathogenic. Last evaluated: 2019-12-18. Review status: criteria provided, single submitter. Criteria: ACMG Guidelines, 2015. Collection method: clinical testing. Allele origin: germline. Observed: 1 variant allele.
Comment: PVS1, PM2, PP3, PP5

Revvity Omics, Revvity
Classification: Uncertain significance. Last evaluated: 2023-04-12. Review status: flagged submission. Criteria: ACMG Guidelines, 2015. Collection method: clinical testing. Allele origin: germline. Not counted in ClinVar's aggregate classification.
ClinVar note: Reason: Claim with insufficient supporting evidence

Literature cited by the submitters: PubMed 23255290 (cited by Labcorp Genetics (formerly Invitae), Labcorp and Mayo Clinic Laboratories, Mayo Clinic); PubMed 17576681 (cited by Labcorp Genetics (formerly Invitae), Labcorp); PubMed 9536098 (cited by Labcorp Genetics (formerly Invitae), Labcorp).